The following is an entry in ClinVar:

ClinVar aggregate classification (germline): Likely pathogenic (1 of 4 stars; one submission).

Conditions:
FHL1-related disorder. Also called: FHL1-related condition; FHL1-related disorders.

Submission:

PreventionGenetics, part of Exact Sciences
Classification: Likely pathogenic for FHL1-related condition. Last evaluated: 2026-08-03. Review status: criteria provided, single submitter. Criteria: ACMG Guidelines, 2015. Collection method: clinical testing. Allele origin: germline.
Comment: The FHL1 c.400C>T variant is predicted to result in premature protein termination (p.Gln134*). To our knowledge, this variant has not been reported in the literature or in a large population database (gnomAD), indicating this variant is rare. Nonsense variants in FHL1 are expected to be pathogenic. This variant is interpreted as likely pathogenic.

NM_001159699.2(FHL1):c.448C>T (p.Gln150Ter)

Gene: FHL1 (four and a half LIM domains 1; plus strand). Cytogenetic location: Xq26.3.
Variant type: single nucleotide variant.
Coding change: c.448C>T on transcript NM_001159699.2 (MANE Select); coding-DNA position 448, C replaced by T.
Protein change: p.Gln150Ter; replaces glutamine 150 with a stop codon.
Molecular consequence: nonsense. On other transcripts: non-coding transcript variant (1).
Genome position (GRCh38, 1-based): chrX:136,207,860, C>T. VCF-style: chrX-136207860-C-T. GRCh37 (hg19) VCF-style: chrX-135290019-C-T.
Other names: c.400C>T, p.Gln134Ter (NM_001159700.2, NM_001159702.3, NM_001159703.2 and 9 more transcripts); c.487C>T, p.Gln163Ter (NM_001159701.2); c.448C>T, p.Gln150Ter (NM_001330659.2, NM_001440769.1); short protein forms Q150*, Q163*, Q134*.
Identifiers: ClinVar variation 4994658 (VCV004994658.1).